The following is an entry in ClinVar:

ClinVar aggregate classification (germline): Benign. Review status: criteria provided, single submitter (1 of 4 stars). 3 submissions from 3 submitters: Benign (1). 2 of the submissions do not count toward it.

Conditions:
TECR-related disorder. Also called: TECR-related condition.

Allele frequency attached by ClinVar (database versions not stated): gnomAD exomes 0.00463 and 0.01187; ExAC 0.01443; gnomAD 0.04531 and 0.04819; TOPMed 0.05165; ESP Exome Variant Server 0.05428; 1000 Genomes Project 0.05531; 1000 Genomes Project 30x 0.05746.
gnomAD v4.1: 14,026 of 1,613,834 alleles (0.87%); highest among the groups gnomAD compares: African/African-American, 16%; 1,025 homozygotes.

Submissions (3):

Breakthrough Genomics
Classification: Benign. Review status: criteria provided, single submitter. Criteria: ACMG Guidelines, 2015. Collection method: not provided. Allele origin: germline. Inheritance: Autosomal recessive inheritance. Affected: yes.

PreventionGenetics, part of Exact Sciences
Classification: Benign for TECR-related condition. Last evaluated: 2019-06-27. Review status: no assertion criteria provided. Collection method: clinical testing. Allele origin: germline. Not counted in ClinVar's aggregate classification.
Comment: This variant is classified as benign based on ACMG/AMP sequence variant interpretation guidelines (Richards et al. 2015 PMID: 25741868, with internal and published modifications).

Genetic Services Laboratory, University of Chicago
Classification: Likely benign for AllHighlyPenetrant. Review status: no assertion criteria provided. Collection method: clinical testing. Allele origin: germline. Inheritance: Autosomal recessive inheritance. Not counted in ClinVar's aggregate classification.
Comment: Likely benign based on allele frequency in 1000 Genomes Project or ESP global frequency and its presence in a patient with a rare or unrelated disease phenotype. NOT Sanger confirmed.

NM_138501.6(TECR):c.618C>T (p.Leu206=)

Gene: TECR (trans-2,3-enoyl-CoA reductase; plus strand). Cytogenetic location: 19p13.12.
Variant type: single nucleotide variant.
Coding change: c.618C>T on transcript NM_138501.6 (MANE Select); coding-DNA position 618, C replaced by T.
Protein change: p.Leu206=; no amino-acid change (leucine 206 retained).
Molecular consequence: synonymous variant.
Genome position (GRCh38, 1-based): chr19:14,565,077, C>T. VCF-style: chr19-14565077-C-T. GRCh37 (hg19) VCF-style: chr19-14675889-C-T.
Other names: c.663C>T, p.Leu221= (NM_001321170.1).
Identifiers: ClinVar variation 130581 (VCV000130581.9), dbSNP rs59273619, ClinGen allele CA155703.